The following is an entry in ClinVar:

NM_013275.6(ANKRD11):c.3622AAG[1] (p.Lys1209del)

Gene: ANKRD11 (ankyrin repeat domain 11; minus strand). Cytogenetic location: 16q24.3.
Variant type: Microsatellite.
Coding change: c.3622AAG[1] on transcript NM_013275.6 (MANE Select); one copy of the 3-base unit AAG starting at c.3622; the reference has two copies in a row; one copy, 3 bases deleted; also written c.3625_3627del.
Protein change: p.Lys1209del; deletes lysine 1209.
Molecular consequence: inframe deletion.
Genome position (GRCh38, 1-based): chr16:89,282,915-89,282,917, CTT deleted on the plus strand (AAG on the coding strand, the reverse complement: ANKRD11 is on the minus strand); deleting any 3 consecutive bases within chr16:89,282,915-89,282,922 gives the same sequence; the position shown is the placement nearest the transcript's 3' end. VCF-style (leftmost placement, unchanged base first): chr16-89282914-CCTT-C. GRCh37 (hg19) VCF-style: chr16-89349322-CCTT-C.
Other names: c.3622AAG[1], p.Lys1209del (NM_001256182.2, NM_001256183.2); c.3625_3627del (NM_013275.5); short protein forms K1209del.
Identifiers: ClinVar variation 2894637 (VCV002894637.4), dbSNP rs1664784482, ClinGen allele CA2241603669.

ClinVar aggregate classification (germline): Uncertain significance. Review status: criteria provided, multiple submitters, no conflicts (2 of 4 stars). 2 submissions from 2 submitters: Uncertain significance (2). Last evaluated 2026-01-22.

Conditions:
KBG syndrome (KBGS). Also called: ANKRD11-Related KBG Syndrome. Identifiers: Orphanet 2332, MedGen C0220687, MONDO:0007846, OMIM 148050.

Submissions (2):

GeneDx
Classification: Uncertain significance. Last evaluated: 2026-01-22. Review status: criteria provided, single submitter. Criteria: GeneDx Variant Classification Process June 2021. Collection method: clinical testing. Allele origin: germline.
Comment: In-frame deletion of 1 amino acid(s) in a non-repeat region; Not observed at significant frequency in large population cohorts (gnomAD); In silico analysis supports a deleterious effect on protein structure/function; Has not been previously published as pathogenic or benign to our knowledge

Labcorp Genetics (formerly Invitae), Labcorp
Classification: Uncertain significance for KBG syndrome. Last evaluated: 2023-10-10. Review status: criteria provided, single submitter. Criteria: Invitae Variant Classification Sherloc (09022015). Collection method: clinical testing. Allele origin: germline.
Comment: This variant, c.3625_3627del, results in the deletion of 1 amino acid(s) of the ANKRD11 protein (p.Lys1209del), but otherwise preserves the integrity of the reading frame. This variant is not present in population databases (gnomAD no frequency). This variant has not been reported in the literature in individuals affected with ANKRD11-related conditions. Experimental studies and prediction algorithms are not available or were not evaluated, and the functional significance of this variant is currently unknown. In summary, the available evidence is currently insufficient to determine the role of this variant in disease. Therefore, it has been classified as a Variant of Uncertain Significance.